The following is an entry in ClinVar:

NM_001136191.3(KANK2):c.1139G>A (p.Arg380His)

Gene: KANK2 (KN motif and ankyrin repeat domains 2; minus strand). Cytogenetic location: 19p13.2.
Variant type: single nucleotide variant.
Coding change: c.1139G>A on transcript NM_001136191.3 (MANE Select); coding-DNA position 1139, G replaced by A.
Protein change: p.Arg380His; replaces arginine 380 with histidine.
Molecular consequence: missense variant.
Genome position (GRCh38, 1-based): chr19:11,192,941, C>T on the plus strand (G>A on the coding strand, the complement: KANK2 is on the minus strand). VCF-style: chr19-11192941-C-T. GRCh37 (hg19) VCF-style: chr19-11303617-C-T.
Other names: c.1139G>A, p.Arg380His (NM_001329451.2, NM_001379548.1, NM_001379549.1 and 15 more transcripts); c.1139G>A (NM_015493.6); short protein forms R380H.
Identifiers: ClinVar variation 1940960 (VCV001940960.6), dbSNP rs537129742, ClinGen allele CA9205885.
Genomic context (GRCh38, chr19:11,192,941, plus strand): 5'-TGGACGTTGCTGGTAGCTGCAGCGGGCACTGGGCACATTGTCTCCACCACCTCCTGGCTG[C>T]GGAACACAGGTGGGCTCTCAGGCCTACCAGGCATTGCCAGGGCCCTCAGCCCTGTGCCGT-3'
Protein context (NP_001129663.1, residues 370-390): PGRPESPPVF[Arg380His]SQEVVETMCP

ClinVar aggregate classification (germline): Uncertain significance. Review status: criteria provided, multiple submitters, no conflicts (2 of 4 stars). 2 submissions from 2 submitters: Uncertain significance (2). Last evaluated 2024-08-20.

Allele frequency attached by ClinVar (database versions not stated): TOPMed 0.00007; 1000 Genomes Project 0.00020; 1000 Genomes Project 30x 0.00031.
gnomAD v4.1: 43 of 1,614,186 alleles (0.0027%); highest among the groups gnomAD compares: African/African-American, 0.016%; no homozygotes.

Submissions (2):

Ambry Genetics
Classification: Uncertain significance. Last evaluated: 2024-08-20. Review status: criteria provided, single submitter. Criteria: Ambry Variant Classification Scheme 2023. Collection method: clinical testing. Allele origin: germline.

Labcorp Genetics (formerly Invitae), Labcorp
Classification: Uncertain significance. Last evaluated: 2022-08-02. Review status: criteria provided, single submitter. Criteria: Invitae Variant Classification Sherloc (09022015). Collection method: clinical testing. Allele origin: germline.
Comment: This sequence change replaces arginine, which is basic and polar, with histidine, which is basic and polar, at codon 380 of the KANK2 protein (p.Arg380His). This variant is present in population databases (rs537129742, gnomAD 0.02%). This variant has not been reported in the literature in individuals affected with KANK2-related conditions. Algorithms developed to predict the effect of missense changes on protein structure and function are either unavailable or do not agree on the potential impact of this missense change (SIFT: "Tolerated"; PolyPhen-2: "Possibly Damaging"; Align-GVGD: "Class C0"). In summary, the available evidence is currently insufficient to determine the role of this variant in disease. Therefore, it has been classified as a Variant of Uncertain Significance.